The following is an entry in ClinVar:

NM_144596.4(TTC8):c.266-2A>G

Gene: TTC8 (tetratricopeptide repeat domain 8; plus strand). Cytogenetic location: 14q31.3.
Variant type: single nucleotide variant.
Coding change: c.266-2A>G on transcript NM_144596.4 (MANE Select); the canonical splice acceptor site of the intron before coding-DNA position 266, A replaced by G.
Molecular consequence: splice acceptor variant.
Genome position (GRCh38, 1-based): chr14:88,840,863, A>G. VCF-style: chr14-88840863-A-G. GRCh37 (hg19) VCF-style: chr14-89307207-A-G.
Other names: c.-327-2A>G (NM_001288782.1); c.236-2A>G (NM_001288781.1, NM_198309.3, NM_198310.3 and 2 more transcripts); c.-422-2A>G (NM_001288783.1); c.266-2A>G (NM_144596.3).
Identifiers: ClinVar variation 1458440 (VCV001458440.9), dbSNP rs2140976096, ClinGen allele CA390573373.

ClinVar aggregate classification (germline): Pathogenic. Review status: criteria provided, single submitter (1 of 4 stars). 2 submissions from 2 submitters: Pathogenic (1). 1 of the submissions does not count toward it. Last evaluated 2021-01-18.

Conditions:
Bardet-Biedl syndrome (BBS). Identifiers: Orphanet 110, MedGen C0752166, MONDO:0015229.
TTC8-related disorder. Also called: TTC8-related condition.

Submissions (2):

Labcorp Genetics (formerly Invitae), Labcorp
Classification: Pathogenic for Bardet-Biedl syndrome. Last evaluated: 2021-01-18. Review status: criteria provided, single submitter. Criteria: Invitae Variant Classification Sherloc (09022015). Collection method: clinical testing. Allele origin: germline.
Comment: For these reasons, this variant has been classified as Pathogenic. Algorithms developed to predict the effect of sequence changes on RNA splicing suggest that this variant may disrupt the consensus splice site, but this prediction has not been confirmed by published transcriptional studies. This variant has been observed in individual(s) with clinical features of Bardet-Biedl syndrome (Invitae). In at least one individual the data is consistent with the variant being in trans (on the opposite chromosome) from a pathogenic variant. This variant is not present in population databases (ExAC no frequency). This sequence change affects an acceptor splice site in intron 3 of the TTC8 gene. It is expected to disrupt RNA splicing. Variants that disrupt the donor or acceptor splice site typically lead to a loss of protein function (PMID: 16199547), and loss-of-function variants in TTC8 are known to be pathogenic (PMID: 16308660, 16877420, 19797195, 21052717, 30886724).

PreventionGenetics, part of Exact Sciences
Classification: Likely pathogenic for TTC8-related condition. Last evaluated: 2024-05-05. Review status: no assertion criteria provided. Collection method: clinical testing. Allele origin: germline. Not counted in ClinVar's aggregate classification.
Comment: The TTC8 c.266-2A>G variant is predicted to disrupt the AG splice acceptor site and interfere with normal splicing. To our knowledge, this variant has not been reported in the literature or in a large population database, indicating this variant is rare. Variants that disrupt the consensus splice acceptor site in TTC8 are expected to be pathogenic. This variant is interpreted as likely pathogenic.

Literature cited by the submitters: PubMed 16199547 (cited by Labcorp Genetics (formerly Invitae), Labcorp); PubMed 16308660 (cited by Labcorp Genetics (formerly Invitae), Labcorp); PubMed 16877420 (cited by Labcorp Genetics (formerly Invitae), Labcorp); PubMed 19797195 (cited by Labcorp Genetics (formerly Invitae), Labcorp); PubMed 21052717 (cited by Labcorp Genetics (formerly Invitae), Labcorp); PubMed 30886724 (cited by Labcorp Genetics (formerly Invitae), Labcorp).